The following is an entry in ClinVar:

NM_001276270.2(MBD4):c.1150AAC[1] (p.Asn385del)

Gene: MBD4 (methyl-CpG binding domain 4, DNA glycosylase; minus strand). Cytogenetic location: 3q21.3.
Variant type: Microsatellite.
Coding change: c.1150AAC[1] on transcript NM_001276270.2 (MANE Select); one copy of the 3-base unit AAC starting at c.1150; the reference has two copies in a row; one copy, 3 bases deleted.
Protein change: p.Asn385del; deletes asparagine 385.
Molecular consequence: inframe deletion. On other transcripts: intron variant (1).
Genome position (GRCh38, 1-based): chr3:129,436,489-129,436,491, GTT deleted on the plus strand (AAC on the coding strand, the reverse complement: MBD4 is on the minus strand); deleting any 3 consecutive bases within chr3:129,436,489-129,436,496 gives the same sequence; the position shown is the placement nearest the transcript's 3' end. VCF-style (leftmost placement, unchanged base first): chr3-129436488-AGTT-A. GRCh37 (hg19) VCF-style: chr3-129155331-AGTT-A.
Other names: c.1153_1155delAAC (NM_001276270.2); c.1150AAC[1], p.Asn385del (NM_001276271.2, NM_001276272.2, NM_003925.3); c.247+1317_247+1319del (NM_001276273.2); short protein forms N385del.
Identifiers: ClinVar variation 3609819 (VCV003609819.3).
Genomic context (GRCh38, chr3:129,436,488, plus strand): 5'-GAAAGCACTGGATACCTTGAAATATTTTCTCACCAGTGAAGTCTTTCCTGGTTGGTGAGC[AGTT>A]GTTGTCCATTTCAGAGCCACGTTTTAAAATGTCAGTATGCAAATGTTCTTTCCTTTCCAC-3'

ClinVar aggregate classification (germline): Uncertain significance. Review status: criteria provided, multiple submitters, no conflicts (2 of 4 stars). 2 submissions from 2 submitters: Uncertain significance (2). Last evaluated 2025-11-03.

Conditions:
Inborn genetic diseases. Identifiers: MedGen C0950123, MeSH D030342.

Submissions (2):

Labcorp Genetics (formerly Invitae), Labcorp
Classification: Uncertain significance. Last evaluated: 2025-11-03. Review status: criteria provided, single submitter. Criteria: Invitae Variant Classification Sherloc (09022015). Collection method: clinical testing. Allele origin: germline.
Comment: This variant, c.1153_1155del, results in the deletion of 1 amino acid(s) of the MBD4 protein (p.Asn385del), but otherwise preserves the integrity of the reading frame. This variant is present in population databases (rs746027174, gnomAD 0.01%). This variant has not been reported in the literature in individuals affected with MBD4-related conditions. Experimental studies and prediction algorithms are not available or were not evaluated, and the functional significance of this variant is currently unknown. In summary, the available evidence is currently insufficient to determine the role of this variant in disease. Therefore, it has been classified as a Variant of Uncertain Significance.

Ambry Genetics
Classification: Uncertain significance for Inborn genetic diseases. Last evaluated: 2025-01-11. Review status: criteria provided, single submitter. Criteria: Ambry Variant Classification Scheme 2023. Collection method: clinical testing. Allele origin: germline.
Comment: The c.1153_1155delAAC variant (also known as p.N385del) is located in coding exon 3 of the MBD4 gene. This variant results from an in-frame AAC deletion at nucleotide positions 1153 to 1155. This results in the in-frame deletion of an asparagine at codon 385. This amino acid position is poorly conserved in available vertebrate species. In addition, this alteration is predicted to be neutral by in silico analysis (Choi Y et al. PLoS ONE. 2012; 7(10):e46688). Based on the available evidence, the clinical significance of this variant remains unclear.